The following is an entry in ClinVar:

NM_004268.5(MED17):c.98C>T (p.Pro33Leu)

Gene: MED17 (mediator complex subunit 17; plus strand). Cytogenetic location: 11q21.
Variant type: single nucleotide variant.
Coding change: c.98C>T on transcript NM_004268.5 (MANE Select); coding-DNA position 98, C replaced by T.
Protein change: p.Pro33Leu; replaces proline 33 with leucine.
Molecular consequence: missense variant.
Genome position (GRCh38, 1-based): chr11:93,784,611, C>T. VCF-style: chr11-93784611-C-T. GRCh37 (hg19) VCF-style: chr11-93517777-C-T.
Other names: short protein forms P33L.
Identifiers: ClinVar variation 1447223 (VCV001447223.3), dbSNP rs11539353, ClinGen allele CA6232240.

ClinVar aggregate classification (germline): Uncertain significance (1 of 4 stars; one submission).

Allele frequency attached by ClinVar (database versions not stated): TOPMed 0.00002.
gnomAD v4.1: 34 of 1,600,878 alleles (0.0021%); highest among the groups gnomAD compares: Non-Finnish European, 0.0026%; no homozygotes.

Submission:

Labcorp Genetics (formerly Invitae), Labcorp
Classification: Uncertain significance. Last evaluated: 2021-10-25. Review status: criteria provided, single submitter. Criteria: Invitae Variant Classification Sherloc (09022015). Collection method: clinical testing. Allele origin: germline.
Comment: This sequence change replaces proline, which is neutral and non-polar, with leucine, which is neutral and non-polar, at codon 33 of the MED17 protein (p.Pro33Leu). This variant is present in population databases (rs11539353, gnomAD 0.004%). This variant has not been reported in the literature in individuals affected with MED17-related conditions. Algorithms developed to predict the effect of missense changes on protein structure and function are either unavailable or do not agree on the potential impact of this missense change (SIFT: "Deleterious"; PolyPhen-2: "Probably Damaging"; Align-GVGD: "Class C0"). In summary, the available evidence is currently insufficient to determine the role of this variant in disease. Therefore, it has been classified as a Variant of Uncertain Significance.